The following is an entry in ClinVar:

ClinVar aggregate classification (germline): Conflicting classifications of pathogenicity. Review status: criteria provided, conflicting classifications (1 of 4 stars). 3 submissions from 3 submitters: Uncertain significance (1); Likely benign (1). 1 of the submissions does not count toward it. Last evaluated 2025-08-28.

Conditions:
Glycogen storage disease, type II (IOPD). Also called: CARDIOMEGALIA GLYCOGENICA DIFFUSA; Glucosidase acid-1,4-alpha deficiency; Pompe Disease; GLYCOGENOSIS, GENERALIZED, CARDIAC FORM; GSD II; POMPE DISEASE, INFANTILE-ONSET. Identifiers: Orphanet 365, MedGen C0017921, MONDO:0009290, OMIM 232300.

Allele frequency attached by ClinVar (database versions not stated): gnomAD 0.00001; TOPMed 0.00001.
gnomAD v4.1: 13 of 1,613,392 alleles (0.00081%); highest among the groups gnomAD compares: African/African-American, 0.013%; no homozygotes.

Submissions (3):

Labcorp Genetics (formerly Invitae), Labcorp
Classification: Likely benign for Glycogen storage disease, type II. Last evaluated: 2025-08-28. Review status: criteria provided, single submitter. Criteria: Invitae Variant Classification Sherloc (09022015). Collection method: clinical testing. Allele origin: germline.

GeneDx
Classification: Uncertain significance. Last evaluated: 2022-04-27. Review status: criteria provided, single submitter. Criteria: GeneDx Variant Classification Process June 2021. Collection method: clinical testing. Allele origin: germline. Affected: yes.
Comment: Has not been previously published as pathogenic or benign to our knowledge; Not observed at significant frequency in large population cohorts (gnomAD); In silico analysis suggests this variant may impact gene splicing. In the absence of RNA/functional studies, the actual effect of this sequence change is unknown.

Natera, Inc.
Classification: Likely benign for Glycogen storage disease type II. Last evaluated: 2020-09-16. Review status: no assertion criteria provided. Collection method: clinical testing. Allele origin: germline. Not counted in ClinVar's aggregate classification.

NM_000152.5(GAA):c.1053G>A (p.Val351=)

Gene: GAA (alpha glucosidase; plus strand). Cytogenetic location: 17q25.3.
Variant type: single nucleotide variant.
Coding change: c.1053G>A on transcript NM_000152.5 (MANE Select); coding-DNA position 1053, G replaced by A.
Protein change: p.Val351=; no amino-acid change (valine 351 retained).
Molecular consequence: synonymous variant.
Genome position (GRCh38, 1-based): chr17:80,108,387, G>A. VCF-style: chr17-80108387-G-A. GRCh37 (hg19) VCF-style: chr17-78082186-G-A.
Other names: c.1053G>A, p.Val351= (NM_001079803.3, NM_001079804.3).
Identifiers: ClinVar variation 749265 (VCV000749265.12), dbSNP rs773063199, ClinGen allele CA294891845.